The following is an entry in ClinVar:

ClinVar aggregate classification (germline): Pathogenic (1 of 4 stars; one submission).

Conditions:
Cockayne syndrome type 1. Also called: Cockayne syndrome type I; Cockayne syndrome classical; Cockayne syndrome classic form. Identifiers: Orphanet 191, Orphanet 90321, MedGen C0751039, MONDO:0019569, OMIM 216400.

Submission:

Myriad Genetics, Inc.
Classification: Pathogenic for Cockayne syndrome type 1. Last evaluated: 2025-04-08. Review status: criteria provided, single submitter. Criteria: Myriad Autosomal Dominant, Autosomal Recessive and X-Linked Classification Criteria (2023). Collection method: clinical testing. Allele origin: unknown.
Comment: NM_000082.3(ERCC8):c.158delC(P53Lfs*15) is expected to be pathogenic in the context of ERCC8-related disorders. This variant is predicted to lead to an abnormal or absent protein product due to the creation of a premature termination codon in ERCC8, a gene where loss-of-function variants are known to be pathogenic. Please note: this variant was assessed in the context of healthy population screening.

NM_000082.4(ERCC8):c.158del (p.Pro53fs)

Gene: ERCC8 (ERCC excision repair 8, CSA ubiquitin ligase complex subunit; minus strand). Cytogenetic location: 5q12.1.
Variant type: Deletion.
Coding change: c.158del on transcript NM_000082.4 (MANE Select); coding-DNA position 158, one base deleted (C; older notation c.158delC).
Protein change: p.Pro53fs; shifts the reading frame from proline 53.
Molecular consequence: frameshift variant. On other transcripts: 5 prime UTR variant (2).
Genome position (GRCh38, 1-based): chr5:60,928,879, G deleted on the plus strand (C on the coding strand, the reverse complement: ERCC8 is on the minus strand); the first of 2 consecutive G bases (chr5:60,928,879-60,928,880); deleting either gives the same sequence. VCF-style (leftmost placement, unchanged base first): chr5-60928878-AG-A. GRCh37 (hg19) VCF-style: chr5-60224705-AG-A.
Other names: c.-235del (NM_001007233.3); c.158del, p.Pro53fs (NM_001007234.3); c.-220del (NM_001290285.2); short protein forms P53fs.
Identifiers: ClinVar variation 5014314 (VCV005014314.1).